The following is an entry in ClinVar:

NM_001371279.1(REEP1):c.569G>C (p.Ser190Thr)

Gene: REEP1 (receptor accessory protein 1; minus strand). Cytogenetic location: 2p11.2.
Variant type: single nucleotide variant.
Coding change: c.569G>C on transcript NM_001371279.1 (MANE Select); coding-DNA position 569, G replaced by C.
Protein change: p.Ser190Thr; replaces serine 190 with threonine.
Molecular consequence: missense variant. On other transcripts: intron variant (1).
Genome position (GRCh38, 1-based): chr2:86,232,651, C>G on the plus strand (G>C on the coding strand, the complement: REEP1 is on the minus strand). VCF-style: chr2-86232651-C-G. GRCh37 (hg19) VCF-style: chr2-86459774-C-G.
Other names: c.590G>C, p.Ser197Thr (NM_001164730.2); c.488G>C, p.Ser163Thr (NM_001164731.2); c.334G>C, p.Val112Leu (NM_001164732.2); c.569G>C, p.Ser190Thr (NM_001410855.1, NM_001410856.1, NM_022912.3); c.418-15541G>C (NM_001371280.1); short protein forms S190T, V112L, S163T, S197T.
Identifiers: ClinVar variation 4736197 (VCV004736197.1).

ClinVar aggregate classification (germline): Uncertain significance (1 of 4 stars; one submission).

Conditions:
Hereditary spastic paraplegia 31. Also called: SPASTIC PARAPLEGIA 31, AUTOSOMAL DOMINANT. Identifiers: Orphanet 101011, MedGen C1853247, MONDO:0012453, OMIM 610250.

Submission:

Labcorp Genetics (formerly Invitae), Labcorp
Classification: Uncertain significance for Hereditary spastic paraplegia 31. Last evaluated: 2026-01-26. Review status: criteria provided, single submitter. Criteria: Invitae Variant Classification Sherloc (09022015). Collection method: clinical testing. Allele origin: germline.
Comment: This sequence change replaces serine, which is neutral and polar, with threonine, which is neutral and polar, at codon 190 of the REEP1 protein (p.Ser190Thr). This variant is not present in population databases (gnomAD no frequency). This variant has not been reported in the literature in individuals affected with REEP1-related conditions. An algorithm developed to predict the effect of missense changes on protein structure and function (PolyPhen-2) suggests that this variant is likely to be tolerated. In summary, the available evidence is currently insufficient to determine the role of this variant in disease. Therefore, it has been classified as a Variant of Uncertain Significance.